The following is an entry in ClinVar:

ClinVar aggregate classification (germline): Uncertain significance (1 of 4 stars; one submission).

Conditions:
Peroxisome biogenesis disorder 11A (Zellweger). Also called: Peroxisome biogenesis disorder 11A. Identifiers: Orphanet 912, MedGen C3554000, MONDO:0013949, OMIM 614883.

Allele frequency attached by ClinVar (database versions not stated): gnomAD exomes below 0.00001.
gnomAD v4.1: 1 of 1,614,032 alleles (0.000062%); highest among the groups gnomAD compares: Admixed American, 0.0017%; no homozygotes.

Submission:

Labcorp Genetics (formerly Invitae), Labcorp
Classification: Uncertain significance for Peroxisome biogenesis disorder 11A (Zellweger). Last evaluated: 2022-02-04. Review status: criteria provided, single submitter. Criteria: Invitae Variant Classification Sherloc (09022015). Collection method: clinical testing. Allele origin: germline.
Comment: This sequence change replaces valine, which is neutral and non-polar, with alanine, which is neutral and non-polar, at codon 366 of the PEX13 protein (p.Val366Ala). This variant is present in population databases (no rsID available, gnomAD 0.003%). This variant has not been reported in the literature in individuals affected with PEX13-related conditions. Algorithms developed to predict the effect of missense changes on protein structure and function output the following: SIFT: "Tolerated"; PolyPhen-2: "Benign"; Align-GVGD: "Class C0". The alanine amino acid residue is found in multiple mammalian species, which suggests that this missense change does not adversely affect protein function. In summary, the available evidence is currently insufficient to determine the role of this variant in disease. Therefore, it has been classified as a Variant of Uncertain Significance.

NM_002618.4(PEX13):c.1097T>C (p.Val366Ala)

Gene: PEX13 (peroxisomal biogenesis factor 13; plus strand). Cytogenetic location: 2p15.
Variant type: single nucleotide variant.
Coding change: c.1097T>C on transcript NM_002618.4 (MANE Select); coding-DNA position 1097, T replaced by C.
Protein change: p.Val366Ala; replaces valine 366 with alanine.
Molecular consequence: missense variant.
Genome position (GRCh38, 1-based): chr2:61,048,655, T>C. VCF-style: chr2-61048655-T-C. GRCh37 (hg19) VCF-style: chr2-61275790-T-C.
Other names: short protein forms V366A.
Identifiers: ClinVar variation 1374383 (VCV001374383.3), dbSNP rs1441442802, ClinGen allele CA346950068.